The following is an entry in ClinVar:

NM_000059.4(BRCA2):c.9152del (p.Pro3051fs)

Gene: BRCA2 (BRCA2 DNA repair associated; plus strand). Cytogenetic location: 13q13.1.
Variant type: Deletion.
Coding change: c.9152del on transcript NM_000059.4 (MANE Select); coding-DNA position 9152, one base deleted (C; older notation c.9152delC).
Protein change: p.Pro3051fs; shifts the reading frame from proline 3051.
Molecular consequence: frameshift variant.
Genome position (GRCh38, 1-based): chr13:32,380,041, C deleted; the last of 2 consecutive C bases (chr13:32,380,040-32,380,041); deleting either gives the same sequence. VCF-style (leftmost placement, unchanged base first): chr13-32380039-GC-G. GRCh37 (hg19) VCF-style: chr13-32954176-GC-G.
Other names: c.9152delC (NM_000059.3); short protein forms P3051fs.
Identifiers: ClinVar variation 127241 (VCV000127241.6), dbSNP rs587779349, ClinGen allele CA026005.

ClinVar aggregate classification (germline): Pathogenic. Review status: reviewed by expert panel (3 of 4 stars). 2 submissions from 2 submitters: Pathogenic (1). 1 of the submissions does not count toward it. Last evaluated 2016-09-08.

Conditions:
Breast-ovarian cancer, familial, susceptibility to, 2 (BROVCA2). Also called: BRCA2 Hereditary Breast and Ovarian Cancer. Identifiers: Orphanet 145, MedGen C2675520, MONDO:0012933, OMIM 612555. Disease mechanism: loss of function.
Ateleiotic dwarfism (IGHD1A). Also called: IGHD IA; PITUITARY DWARFISM I; SEXUAL ATELEIOTIC DWARFISM; Isolated growth hormone deficiency type 1A; Growth hormone deficiency, isolated autosomal recessive; ILLIG type growth hormone deficiency. Identifiers: Orphanet 231662, Orphanet 631, MedGen C0342573, MONDO:0009876, OMIM 262400.

Submissions (2):

Evidence-based Network for the Interpretation of Germline Mutant Alleles (ENIGMA)
Classification: Pathogenic for Breast-ovarian cancer, familial, susceptibility to, 2. Last evaluated: 2016-09-08. Review status: reviewed by expert panel. Criteria: ENIGMA BRCA1/2 Classification Criteria (2015). Collection method: curation. Allele origin: germline.
Comment: Variant allele predicted to encode a truncated non-functional protein.

Genomic Medicine Center of Excellence, King Faisal Specialist Hospital and Research Centre
Classification: Pathogenic for Primordial Dwarfism. Review status: no assertion criteria provided. Collection method: research. Allele origin: germline. Affected: yes. Study: Genomic Analysis of Primordial Dwarfism Reveals Novel Disease Genes. Not counted in ClinVar's aggregate classification.

Literature cited by the submitters: PubMed 24389050 (cited by Genomic Medicine Center of Excellence, King Faisal Specialist Hospital and Research Centre); PubMed 25558065 (cited by Genomic Medicine Center of Excellence, King Faisal Specialist Hospital and Research Centre).